The following is an entry in ClinVar:

ClinVar aggregate classification (germline): Likely benign (0 of 4 stars; one submission).

Conditions:
ADCK2-related disorder. Also called: ADCK2-related condition.

Allele frequency attached by ClinVar (database versions not stated): 1000 Genomes Project 0.00060; 1000 Genomes Project 30x 0.00125; ExAC 0.00194; ESP Exome Variant Server 0.00231; gnomAD 0.00239; TOPMed 0.00244; gnomAD exomes 0.00380.
gnomAD v4.1: 5,900 of 1,612,986 alleles (0.37%); highest among the groups gnomAD compares: Non-Finnish European, 0.46%; 19 homozygotes.

Submission:

PreventionGenetics, part of Exact Sciences
Classification: Likely benign for ADCK2-related condition. Last evaluated: 2023-04-20. Review status: no assertion criteria provided. Collection method: clinical testing. Allele origin: germline.
Comment: This variant is classified as likely benign based on ACMG/AMP sequence variant interpretation guidelines (Richards et al. 2015 PMID: 25741868, with internal and published modifications).

NM_052853.4(ADCK2):c.410C>T (p.Ala137Val)

Gene: ADCK2 (aarF domain containing kinase 2; plus strand). Cytogenetic location: 7q34.
Variant type: single nucleotide variant.
Coding change: c.410C>T on transcript NM_052853.4 (MANE Select); coding-DNA position 410, C replaced by T.
Protein change: p.Ala137Val; replaces alanine 137 with valine.
Molecular consequence: missense variant.
Genome position (GRCh38, 1-based): chr7:140,673,740, C>T. VCF-style: chr7-140673740-C-T. GRCh37 (hg19) VCF-style: chr7-140373540-C-T.
Other names: short protein forms A137V.
Identifiers: ClinVar variation 3053008 (VCV003053008.2), dbSNP rs61737092, ClinGen allele CA4515869.